The following is an entry in ClinVar:

NM_001360.3(DHCR7):c.*643C>T

Gene: DHCR7 (7-dehydrocholesterol reductase; minus strand). Cytogenetic location: 11q13.4.
Variant type: single nucleotide variant.
Coding change: c.*643C>T on transcript NM_001360.3 (MANE Select); 643 bases downstream of the stop codon, C replaced by T.
Molecular consequence: 3 prime UTR variant.
Genome position (GRCh38, 1-based): chr11:71,434,732, G>A on the plus strand (C>T on the coding strand, the complement: DHCR7 is on the minus strand). VCF-style: chr11-71434732-G-A. GRCh37 (hg19) VCF-style: chr11-71145778-G-A.
Other names: c.*643C>T (NM_001163817.2).
Identifiers: ClinVar variation 305940 (VCV000305940.6), dbSNP rs1044535, ClinGen allele CA10640017.

ClinVar aggregate classification (germline): Benign. Review status: criteria provided, multiple submitters, no conflicts (2 of 4 stars). 2 submissions from 2 submitters: Benign (2). Last evaluated 2018-01-13.

Conditions:
Smith-Lemli-Opitz syndrome (SLOS). Also called: LETHAL ACRODYSGENITAL SYNDROME; POLYDACTYLY, SEX REVERSAL, RENAL HYPOPLASIA, AND UNILOBAR LUNG; RSH SYNDROME; RUTLEDGE LETHAL MULTIPLE CONGENITAL ANOMALY SYNDROME; 7-Dehydrocholesterol reductase deficiency. Identifiers: Orphanet 818, MedGen C0175694, MONDO:0010035, OMIM 270400.

Allele frequency attached by ClinVar (database versions not stated): 1000 Genomes Project 30x 0.73891; 1000 Genomes Project 0.74361; TOPMed 0.82379; gnomAD 0.83967 and 0.84530; gnomAD exomes 0.85601.

Submissions (2):

Illumina Laboratory Services, Illumina
Classification: Benign for Smith-Lemli-Opitz syndrome. Last evaluated: 2018-01-13. Review status: criteria provided, single submitter. Criteria: ICSL Variant Classification Criteria 13 December 2019. Collection method: clinical testing. Allele origin: germline.
Comment: This variant was observed in the ICSL laboratory as part of a predisposition screen in an ostensibly healthy population. It had not been previously curated by ICSL or reported in the Human Gene Mutation Database (HGMD: prior to June 1st, 2018), and was therefore a candidate for classification through an automated scoring system. Utilizing variant allele frequency, disease prevalence and penetrance estimates, and inheritance mode, an automated score was calculated to assess if this variant is too frequent to cause the disease. Based on the score and internal cut-off values, a variant classified as benign is not then subjected to further curation. The score for this variant resulted in a classification of benign for this disease.

Breakthrough Genomics
Classification: Benign. Review status: criteria provided, single submitter. Criteria: ACMG Guidelines, 2015. Collection method: not provided. Allele origin: germline. Inheritance: Autosomal recessive inheritance. Affected: yes.